The following is an entry in ClinVar:

ClinVar aggregate classification (germline): Uncertain significance (1 of 4 stars; one submission).

Submission:

GeneDx
Classification: Uncertain significance. Last evaluated: 2021-05-18. Review status: criteria provided, single submitter. Criteria: GeneDx Variant Classification Process June 2021. Collection method: clinical testing. Allele origin: germline. Affected: yes.
Comment: Not observed in large population cohorts (Lek et al., 2016); In silico analysis supports that this missense variant does not alter protein structure/function; Has not been previously published as pathogenic or benign to our knowledge

NM_006015.6(ARID1A):c.4865C>T (p.Ala1622Val)

Gene: ARID1A (AT-rich interaction domain 1A; plus strand). Cytogenetic location: 1p36.11.
Variant type: single nucleotide variant.
Coding change: c.4865C>T on transcript NM_006015.6 (MANE Select); coding-DNA position 4865, C replaced by T.
Protein change: p.Ala1622Val; replaces alanine 1622 with valine.
Molecular consequence: missense variant.
Genome position (GRCh38, 1-based): chr1:26,775,092, C>T. VCF-style: chr1-26775092-C-T. GRCh37 (hg19) VCF-style: chr1-27101583-C-T.
Other names: c.4214C>T, p.Ala1405Val (NM_139135.4); short protein forms A1405V, A1622V.
Identifiers: ClinVar variation 1326204 (VCV001326204.2), dbSNP rs2081121774, ClinGen allele CA339178956.